The following is an entry in ClinVar:

NM_032242.4(PLXNA1):c.3182+9C>T

Gene: PLXNA1 (plexin A1; plus strand). Cytogenetic location: 3q21.3.
Variant type: single nucleotide variant.
Coding change: c.3182+9C>T on transcript NM_032242.4 (MANE Select); 9 bases into the intron after coding-DNA position 3182, C replaced by T.
Molecular consequence: intron variant.
Genome position (GRCh38, 1-based): chr3:127,016,693, C>T. VCF-style: chr3-127016693-C-T. GRCh37 (hg19) VCF-style: chr3-126735536-C-T.
Identifiers: ClinVar variation 3358002 (VCV003358002.1).
Genomic context (GRCh38, chr3:127,016,693, plus strand): 5'-ACACCGAGGACCCCACCATCCTGAGGATCGACCCCGAGTGGAGCATCAACAGGTGGGGCC[C>T]AGCAACACCCATTCCCTATCCCCAGCTATTGAGAGCAGCGCTGAGCCAGGAGCTCTTCCA-3'

ClinVar aggregate classification (germline): Likely benign (0 of 4 stars; one submission).

Conditions:
PLXNA1-related disorder. Also called: PLXNA1-related condition.

gnomAD v4.1: 5 of 1,613,582 alleles (0.00031%); highest among the groups gnomAD compares: African/African-American, 0.0067%; no homozygotes.

Submission:

PreventionGenetics, part of Exact Sciences
Classification: Likely benign for PLXNA1-related condition. Last evaluated: 2023-12-11. Review status: no assertion criteria provided. Collection method: clinical testing. Allele origin: germline.
Comment: This variant is classified as likely benign based on ACMG/AMP sequence variant interpretation guidelines (Richards et al. 2015 PMID: 25741868, with internal and published modifications).